The following is an entry in ClinVar:

ClinVar aggregate classification (germline): Uncertain significance (1 of 4 stars; one submission).

Conditions:
Atrial standstill 1 (ATRST1). Also called: ATRIAL CARDIOMYOPATHY WITH HEART BLOCK; CARDIOMYOPATHY, FAMILIAL, WITH CONDUCTION DISTURBANCE; Atrial standstill, digenic (GJA5/SCN5A). Identifiers: Orphanet 1344, MedGen C4551959, MONDO:0007171, OMIM 108770.
Atrial fibrillation, familial, 11 (ATFB11). Identifiers: MedGen C3279693, MONDO:0013544, OMIM 614049.

gnomAD v4.1: 12 of 1,614,076 alleles (0.00074%); highest among the groups gnomAD compares: South Asian, 0.0066%; 2 homozygotes.

Submission:

Labcorp Genetics (formerly Invitae), Labcorp
Classification: Uncertain significance for Atrial fibrillation, familial, 11; Atrial standstill 1. Last evaluated: 2025-09-27. Review status: criteria provided, single submitter. Criteria: Invitae Variant Classification Sherloc (09022015). Collection method: clinical testing. Allele origin: germline.
Comment: This sequence change replaces glycine, which is neutral and non-polar, with glutamic acid, which is acidic and polar, at codon 277 of the GJA5 protein (p.Gly277Glu). This variant is not present in population databases (gnomAD no frequency). This variant has not been reported in the literature in individuals affected with GJA5-related conditions. ClinVar contains an entry for this variant (Variation ID: 3760836). Invitae Evidence Modeling of protein sequence and biophysical properties (such as structural, functional, and spatial information, amino acid conservation, physicochemical variation, residue mobility, and thermodynamic stability) indicates that this missense variant is not expected to disrupt GJA5 protein function with a negative predictive value of 80%. In summary, the available evidence is currently insufficient to determine the role of this variant in disease. Therefore, it has been classified as a Variant of Uncertain Significance.

NM_181703.4(GJA5):c.830G>A (p.Gly277Glu)

Genes: GJA5 (gap junction protein alpha 5; minus strand), LOC122128420 (Sharpr-MPRA regulatory region 3144; plus strand). Cytogenetic location: 1q21.2.
Variant type: single nucleotide variant.
Coding change: c.830G>A on transcript NM_181703.4 (MANE Select); coding-DNA position 830, G replaced by A.
Protein change: p.Gly277Glu; replaces glycine 277 with glutamic acid.
Molecular consequence: missense variant.
Genome position (GRCh38, 1-based): chr1:147,758,409, C>T on the plus strand (G>A on the coding strand, the complement: GJA5 is on the minus strand). VCF-style: chr1-147758409-C-T. GRCh37 (hg19) VCF-style: chr1-147230517-C-T.
Other names: c.830G>A, p.Gly277Glu (NM_005266.7); short protein forms G277E.
Identifiers: ClinVar variation 3760836 (VCV003760836.2).